The following is an entry in ClinVar:

NM_001363705.2(UBR2):c.1281+1958_1281+1959insTTTTTTTTTTTTTT

Gene: UBR2 (ubiquitin protein ligase E3 component n-recognin 2; plus strand). Cytogenetic location: 6p21.1.
Variant type: Insertion.
Coding change: c.1281+1958_1281+1959insTTTTTTTTTTTTTT on transcript NM_001363705.2 (MANE Select); bases 1958 to 1959 of the intron after coding-DNA position 1281, TTTTTTTTTTTTTT inserted.
Molecular consequence: intron variant.
Genome position: GRCh38 VCF-style: chr6-42619453-A-ATTTTTTTTTTTTTT. GRCh37 (hg19) VCF-style: chr6-42587191-A-ATTTTTTTTTTTTTT.
Other names: c.1281+2127_1281+2128insTTTTTTTTTTTTTT (NM_015255.3); c.1282-3_1282-2insTTTTTTTTTTTTTT (NM_001184801.2).
Identifiers: ClinVar variation 2656560 (VCV002656560.24), dbSNP rs1554251969, ClinGen allele CA824863389.

ClinVar aggregate classification (germline): Likely benign (1 of 4 stars; one submission).

Submission:

CeGaT Center for Human Genetics Tuebingen
Classification: Likely benign. Last evaluated: 2022-11-01. Review status: criteria provided, single submitter. Criteria: CeGaT Center For Human Genetics Tuebingen Variant Classification Criteria Version 2. Collection method: clinical testing. Allele origin: germline. Affected: yes. Observed: 1 variant allele.
Comment: UBR2: BS2